The following is an entry in ClinVar:

ClinVar aggregate classification (germline): Conflicting classifications of pathogenicity. Review status: criteria provided, conflicting classifications (1 of 4 stars). 7 submissions from 7 submitters: Uncertain significance (2); Likely benign (5). Last evaluated 2025-07-13.

Conditions:
Inborn genetic diseases. Identifiers: MedGen C0950123, MeSH D030342.
Kleefstra syndrome 1 (KLEFS1). Identifiers: Orphanet 261494, MedGen C0795833, MONDO:0027407, OMIM 610253.

Allele frequency attached by ClinVar (database versions not stated): TOPMed 0.00002; ESP Exome Variant Server 0.00008; gnomAD exomes 0.00013; ExAC 0.00015; 1000 Genomes Project 30x 0.00031; 1000 Genomes Project 0.00040.
gnomAD v4.1: 69 of 1,613,476 alleles (0.0043%); highest among the groups gnomAD compares: Middle Eastern, 0.033%; no homozygotes.

Submissions (7):

Labcorp Genetics (formerly Invitae), Labcorp
Classification: Likely benign for Kleefstra syndrome 1. Last evaluated: 2025-07-13. Review status: criteria provided, single submitter. Criteria: Invitae Variant Classification Sherloc (09022015). Collection method: clinical testing. Allele origin: germline.

CeGaT Center for Human Genetics Tuebingen
Classification: Likely benign. Last evaluated: 2024-05-01. Review status: criteria provided, single submitter. Criteria: CeGaT Center For Human Genetics Tuebingen Variant Classification Criteria Version 2. Collection method: clinical testing. Allele origin: germline. Affected: yes. Observed: 1 variant allele.
Comment: EHMT1: BP4, BS2

Blueprint Genetics
Classification: Likely benign. Last evaluated: 2024-04-12. Review status: criteria provided, single submitter. Criteria: ACMG Guidelines, 2015. Collection method: clinical testing. Allele origin: germline.

Ambry Genetics
Classification: Likely benign for Inborn genetic diseases. Last evaluated: 2021-09-15. Review status: criteria provided, single submitter. Criteria: Ambry Variant Classification Scheme 2023. Collection method: clinical testing. Allele origin: germline.

GeneDx
Classification: Likely benign. Last evaluated: 2020-07-29. Review status: criteria provided, single submitter. Criteria: GeneDx Variant Classification Process June 2021. Collection method: clinical testing. Allele origin: germline. Affected: yes.

Revvity Omics, Revvity
Classification: Uncertain significance for Kleefstra syndrome 1. Last evaluated: 2019-04-22. Review status: criteria provided, single submitter. Criteria: ACMG Guidelines, 2015. Collection method: clinical testing. Allele origin: germline.

Eurofins Ntd Llc (ga)
Classification: Uncertain significance. Last evaluated: 2014-08-20. Review status: criteria provided, single submitter. Criteria: EGL Classification Definitions 2015. Collection method: clinical testing. Allele origin: germline. Observed: 1 variant allele, 1 heterozygote.

NM_024757.5(EHMT1):c.2039C>T (p.Ser680Leu)

Gene: EHMT1 (euchromatic histone lysine methyltransferase 1; plus strand). Cytogenetic location: 9q34.3.
Variant type: single nucleotide variant.
Coding change: c.2039C>T on transcript NM_024757.5 (MANE Select); coding-DNA position 2039, C replaced by T.
Protein change: p.Ser680Leu; replaces serine 680 with leucine.
Molecular consequence: missense variant.
Genome position (GRCh38, 1-based): chr9:137,777,902, C>T. VCF-style: chr9-137777902-C-T. GRCh37 (hg19) VCF-style: chr9-140672354-C-T.
Other names: c.2039C>T, p.Ser680Leu (NM_001145527.2); c.1946C>T, p.Ser649Leu (NM_001354259.2); c.2018C>T, p.Ser673Leu (NM_001354263.2); short protein forms S680L, S649L, S673L.
Identifiers: ClinVar variation 194270 (VCV000194270.41), dbSNP rs147523309, ClinGen allele CA240154.